The following is an entry in ClinVar:

ClinVar aggregate classification (germline): Uncertain significance (1 of 4 stars; one submission).

Submission:

Labcorp Genetics (formerly Invitae), Labcorp
Classification: Uncertain significance. Last evaluated: 2022-12-08. Review status: criteria provided, single submitter. Criteria: Invitae Variant Classification Sherloc (09022015). Collection method: clinical testing. Allele origin: germline.
Comment: In summary, the available evidence is currently insufficient to determine the role of this variant in disease. Therefore, it has been classified as a Variant of Uncertain Significance. Algorithms developed to predict the effect of missense changes on protein structure and function output the following: SIFT: "Not Available"; PolyPhen-2: "Benign"; Align-GVGD: "Not Available". The leucine amino acid residue is found in multiple mammalian species, which suggests that this missense change does not adversely affect protein function. This variant has not been reported in the literature in individuals affected with OAS1-related conditions. This variant is present in population databases (rs111902215, gnomAD 0.01%). This sequence change replaces valine, which is neutral and non-polar, with leucine, which is neutral and non-polar, at codon 135 of the OAS1 protein (p.Val135Leu).

NM_016816.4(OAS1):c.403G>T (p.Val135Leu)

Gene: OAS1 (2'-5'-oligoadenylate synthetase 1; plus strand). Cytogenetic location: 12q24.13.
Variant type: single nucleotide variant.
Coding change: c.403G>T on transcript NM_016816.4 (MANE Select); coding-DNA position 403, G replaced by T.
Protein change: p.Val135Leu; replaces valine 135 with leucine.
Molecular consequence: missense variant.
Genome position (GRCh38, 1-based): chr12:112,908,758, G>T. VCF-style: chr12-112908758-G-T. GRCh37 (hg19) VCF-style: chr12-113346563-G-T.
Other names: c.403G>T, p.Val135Leu (NM_001032409.3, NM_001320151.2, NM_001406020.1 and 7 more transcripts); short protein forms V135L.
Identifiers: ClinVar variation 1962088 (VCV001962088.5), dbSNP rs111902215, ClinGen allele CA243746841.